The following is an entry in ClinVar:

NM_017662.5(TRPM6):c.2124T>G (p.Leu708=)

Gene: TRPM6 (transient receptor potential cation channel subfamily M member 6; minus strand). Cytogenetic location: 9q21.13.
Variant type: single nucleotide variant.
Coding change: c.2124T>G on transcript NM_017662.5 (MANE Select); coding-DNA position 2124, T replaced by G.
Protein change: p.Leu708=; no amino-acid change (leucine 708 retained).
Molecular consequence: synonymous variant.
Genome position (GRCh38, 1-based): chr9:74,800,368, A>C on the plus strand (T>G on the coding strand, the complement: TRPM6 is on the minus strand). VCF-style: chr9-74800368-A-C. GRCh37 (hg19) VCF-style: chr9-77415284-A-C.
Other names: p.Leu708=; c.2109T>G, p.Leu703= (NM_001177310.2, NM_001177311.2).
Identifiers: ClinVar variation 367318 (VCV000367318.26), dbSNP rs7859201, ClinGen allele CA5084642.

ClinVar aggregate classification (germline): Benign. Review status: criteria provided, multiple submitters, no conflicts (2 of 4 stars). 9 submissions from 9 submitters: Benign (7). 2 of the submissions do not count toward it. Last evaluated 2026-02-04.

Conditions:
Intestinal hypomagnesemia 1. Also called: HYPOMAGNESEMIA, INTESTINAL, WITH SECONDARY HYPOCALCEMIA; HYPOMAGNESEMIC TETANY. Identifiers: Orphanet 30924, MedGen C1865974, MONDO:0011176, OMIM 602014.

Allele frequency attached by ClinVar (database versions not stated): gnomAD exomes 0.38762 and 0.39698; ExAC 0.40863; gnomAD 0.46005 and 0.46572; 1000 Genomes Project 0.46086; TOPMed 0.46335; 1000 Genomes Project 30x 0.46533; ESP Exome Variant Server 0.47578.
gnomAD v4.1: 636,663 of 1,613,550 alleles (39%); highest among the groups gnomAD compares: African/African-American, 67%; 129,612 homozygotes.

Submissions (9):

Labcorp Genetics (formerly Invitae), Labcorp
Classification: Benign. Last evaluated: 2026-02-04. Review status: criteria provided, single submitter. Criteria: Invitae Variant Classification Sherloc (09022015). Collection method: clinical testing. Allele origin: germline.

Blueprint Genetics
Classification: Benign. Last evaluated: 2024-11-27. Review status: criteria provided, single submitter. Criteria: ACMG Guidelines, 2015. Collection method: clinical testing. Allele origin: germline.

Mayo Clinic Laboratories, Mayo Clinic
Classification: Benign. Last evaluated: 2022-03-09. Review status: criteria provided, single submitter. Criteria: ACMG Guidelines, 2015. Collection method: clinical testing. Allele origin: germline. Observed: 116 variant alleles.

Genome-Nilou Lab
Classification: Benign for Intestinal hypomagnesemia 1. Last evaluated: 2021-09-10. Review status: criteria provided, single submitter. Criteria: ACMG Guidelines, 2015. Collection method: clinical testing. Allele origin: germline. Affected: no.

GeneDx
Classification: Benign. Last evaluated: 2018-11-12. Review status: criteria provided, single submitter. Criteria: GeneDx Variant Classification Process June 2021. Collection method: clinical testing. Allele origin: germline. Affected: yes.

Illumina Laboratory Services, Illumina
Classification: Benign for Intestinal hypomagnesemia 1. Last evaluated: 2018-01-13. Review status: criteria provided, single submitter. Criteria: ICSL Variant Classification Criteria 13 December 2019. Collection method: clinical testing. Allele origin: germline.
Comment: This variant was observed in the ICSL laboratory as part of a predisposition screen in an ostensibly healthy population. It had not been previously curated by ICSL or reported in the Human Gene Mutation Database (HGMD: prior to June 1st, 2018), and was therefore a candidate for classification through an automated scoring system. Utilizing variant allele frequency, disease prevalence and penetrance estimates, and inheritance mode, an automated score was calculated to assess if this variant is too frequent to cause the disease. Based on the score and internal cut-off values, a variant classified as benign is not then subjected to further curation. The score for this variant resulted in a classification of benign for this disease.

Breakthrough Genomics
Classification: Benign. Review status: criteria provided, single submitter. Criteria: ACMG Guidelines, 2015. Collection method: not provided. Allele origin: germline. Inheritance: Autosomal recessive inheritance. Affected: yes.

Diagnostic Laboratory, Department of Genetics, University Medical Center Groningen
Classification: Benign. Review status: no assertion criteria provided. Collection method: clinical testing. Allele origin: germline. Affected: yes. Study: VKGL Data-share Consensus. Not counted in ClinVar's aggregate classification.

Joint Genome Diagnostic Labs from Nijmegen and Maastricht, Radboudumc and MUMC+
Classification: Benign. Review status: no assertion criteria provided. Collection method: clinical testing. Allele origin: germline. Affected: yes. Study: VKGL Data-share Consensus. Not counted in ClinVar's aggregate classification.